The following is an entry in ClinVar:

NM_003079.5(SMARCE1):c.166G>A (p.Gly56Ser)

Gene: SMARCE1 (SWI/SNF related BAF chromatin remodeling complex subunit E1; minus strand). Cytogenetic location: 17q21.2.
Variant type: single nucleotide variant.
Coding change: c.166G>A on transcript NM_003079.5 (MANE Select); coding-DNA position 166, G replaced by A.
Protein change: p.Gly56Ser; replaces glycine 56 with serine.
Molecular consequence: missense variant.
Genome position (GRCh38, 1-based): chr17:40,637,563, C>T on the plus strand (G>A on the coding strand, the complement: SMARCE1 is on the minus strand). VCF-style: chr17-40637563-C-T. GRCh37 (hg19) VCF-style: chr17-38793815-C-T.
Other names: short protein forms G56S.
Identifiers: ClinVar variation 2748786 (VCV002748786.4), dbSNP rs2508606789, ClinGen allele CA399368012.

ClinVar aggregate classification (germline): Uncertain significance. Review status: criteria provided, multiple submitters, no conflicts (2 of 4 stars). 2 submissions from 2 submitters: Uncertain significance (2). Last evaluated 2024-09-19.

Conditions:
Hereditary cancer-predisposing syndrome. Also called: Hereditary Cancer Syndrome; Neoplastic Syndromes, Hereditary; Tumor predisposition; Hereditary neoplastic syndrome. Identifiers: Orphanet 140162, MedGen C0027672, MeSH D009386, MONDO:0015356.
Familial meningioma. Also called: Meningioma, familial, susceptibility to. Identifiers: Orphanet 263662, MedGen C3551915, MONDO:0011789, OMIM 607174.

Submissions (2):

Labcorp Genetics (formerly Invitae), Labcorp
Classification: Uncertain significance for Familial meningioma. Last evaluated: 2024-09-19. Review status: criteria provided, single submitter. Criteria: Invitae Variant Classification Sherloc (09022015). Collection method: clinical testing. Allele origin: germline.
Comment: This sequence change replaces glycine, which is neutral and non-polar, with serine, which is neutral and polar, at codon 56 of the SMARCE1 protein (p.Gly56Ser). This variant is not present in population databases (gnomAD no frequency). This variant has not been reported in the literature in individuals affected with SMARCE1-related conditions. Invitae Evidence Modeling of protein sequence and biophysical properties (such as structural, functional, and spatial information, amino acid conservation, physicochemical variation, residue mobility, and thermodynamic stability) indicates that this missense variant is not expected to disrupt SMARCE1 protein function with a negative predictive value of 80%. In summary, the available evidence is currently insufficient to determine the role of this variant in disease. Therefore, it has been classified as a Variant of Uncertain Significance.

Ambry Genetics
Classification: Uncertain significance for Hereditary cancer-predisposing syndrome. Last evaluated: 2024-01-05. Review status: criteria provided, single submitter. Criteria: Ambry Variant Classification Scheme 2023. Collection method: clinical testing. Allele origin: germline.
Comment: The p.G56S variant (also known as c.166G>A), located in coding exon 4 of the SMARCE1 gene, results from a G to A substitution at nucleotide position 166. The glycine at codon 56 is replaced by serine, an amino acid with similar properties. This amino acid position is highly conserved in available vertebrate species. In addition, the in silico prediction for this alteration is inconclusive. Missense and in-frame variants in SMARCE1 are known to cause neurodevelopmental disorders; however, such associations with increased risk of meningiomas are exceedingly rare (Kosho T et al. Am J Med Genet C Semin Med Genet. 2014 Sep;166C(3):262-75; Smith JM et al. Nat Genet. 2013 Mar;45(3):295-8). Since supporting evidence is limited at this time, the clinical significance of this alteration remains unclear.